The following is an entry in ClinVar:

NM_001267550.2(TTN):c.58624T>C (p.Ser19542Pro)

Genes: TTN (titin; minus strand), TTN-AS1 (TTN antisense RNA 1; plus strand). Cytogenetic location: 2q31.2.
Variant type: single nucleotide variant.
Coding change: c.58624T>C on transcript NM_001267550.2 (MANE Select); coding-DNA position 58624, T replaced by C.
Protein change: p.Ser19542Pro; replaces serine 19542 with proline.
Molecular consequence: missense variant.
Genome position (GRCh38, 1-based): chr2:178,593,676, A>G on the plus strand (T>C on the coding strand, the complement: TTN is on the minus strand). VCF-style: chr2-178593676-A-G. GRCh37 (hg19) VCF-style: chr2-179458403-A-G.
Other names: c.53701T>C, p.Ser17901Pro (NM_001256850.1); c.31429T>C, p.Ser10477Pro (NM_003319.4); c.50920T>C, p.Ser16974Pro (NM_133378.4); c.31804T>C, p.Ser10602Pro (NM_133432.3); c.32005T>C, p.Ser10669Pro (NM_133437.4); short protein forms S10602P, S10477P, S10669P, S17901P, S19542P, S16974P.
Identifiers: ClinVar variation 1728104 (VCV001728104.7), dbSNP rs145198325, ClinGen allele CA1992822.
Genomic context (GRCh38, chr2:178,593,676, plus strand): 5'-TTCCATACAGATTTTCAGCATGTATCCGGAAAATATAATCTTTTCCTTCAAGTAGTTTAG[A>G]AACTTTGCATGTTGTTTTAGCACTTGCAGATGTCACTGGCATCCAGACGTCTTTACCCAC-3'
Protein context (NP_001254479.2, residues 19532-19552): SASAKTTCKV[Ser19542Pro]KLLEGKDYIF

ClinVar aggregate classification (germline): Uncertain significance. Review status: criteria provided, multiple submitters, no conflicts (2 of 4 stars). 4 submissions from 4 submitters: Uncertain significance (4). Last evaluated 2026-09-01.

Conditions:
TTN-related disorder. Also called: TTN-related disorders; TTN-related condition; TTN-related disease.
Cardiovascular phenotype. Identifiers: MedGen CN230736.

Allele frequency attached by ClinVar (database versions not stated): gnomAD exomes 0.00001; ExAC 0.00003; ESP Exome Variant Server 0.00008; gnomAD 0.00010; 1000 Genomes Project 30x 0.00016; 1000 Genomes Project 0.00020.
gnomAD v4.1: 32 of 1,613,320 alleles (0.002%); highest among the groups gnomAD compares: African/African-American, 0.036%; no homozygotes.

Submissions (4):

CeGaT Center for Human Genetics Tuebingen
Classification: Uncertain significance. Last evaluated: 2026-09-01. Review status: criteria provided, single submitter. Criteria: CeGaT Center For Human Genetics Tuebingen Variant Classification Criteria Version 2. Collection method: clinical testing. Allele origin: germline. Affected: yes. Observed: 1 variant allele.
Comment: TTN: PM2, BP4

PreventionGenetics, part of Exact Sciences
Classification: Uncertain significance for TTN-related condition. Last evaluated: 2026-02-19. Review status: criteria provided, single submitter. Criteria: ACMG Guidelines, 2015. Collection method: clinical testing. Allele origin: germline.
Comment: The TTN c.58624T>C variant is predicted to result in the amino acid substitution p.Ser19542Pro. To our knowledge, this variant has not been reported in the literature. This variant is reported in 0.021% of alleles in individuals of African descent in gnomAD. At this time, the clinical significance of this variant is uncertain due to the absence of conclusive functional and genetic evidence.

Revvity Omics, Revvity
Classification: Uncertain significance. Last evaluated: 2021-07-06. Review status: criteria provided, single submitter. Criteria: ACMG Guidelines, 2015. Collection method: clinical testing. Allele origin: germline.

Ambry Genetics
Classification: Uncertain significance for Cardiovascular phenotype. Last evaluated: 2020-03-18. Review status: criteria provided, single submitter. Criteria: Ambry Variant Classification Scheme 2023. Collection method: clinical testing. Allele origin: germline.
Comment: The p.S10477P variant (also known as c.31429T>C), located in coding exon 125 of the TTN gene, results from a T to C substitution at nucleotide position 31429. The serine at codon 10477 is replaced by proline, an amino acid with similar properties. This amino acid position is poorly conserved in available vertebrate species. In addition, this alteration is predicted to be tolerated by in silico analysis. Since supporting evidence is limited at this time, the clinical significance of this alteration remains unclear.